The following is an entry in ClinVar:

ClinVar aggregate classification (germline): Pathogenic. Review status: criteria provided, multiple submitters, no conflicts (2 of 4 stars). 2 submissions from 2 submitters: Pathogenic (2). Last evaluated 2026-01-20.

Conditions:
VPS13A-related neurodegenerative disease. Also called: LEVINE-CRITCHLEY SYNDROME; Choreoacanthocytosis; Chorea-acanthocytosis; Choreaacanthocytosis; VPS13A Disease; ACANTHOCYTOSIS WITH NEUROLOGIC DISORDER. Identifiers: Orphanet 2388, MedGen C0393576, MONDO:0008695, OMIM 200150.

Submissions (2):

Labcorp Genetics (formerly Invitae), Labcorp
Classification: Pathogenic. Last evaluated: 2026-01-20. Review status: criteria provided, single submitter. Criteria: Invitae Variant Classification Sherloc (09022015). Collection method: clinical testing. Allele origin: germline.
Comment: This sequence change creates a premature translational stop signal (p.Lys372Valfs*4) in the VPS13A gene. It is expected to result in an absent or disrupted protein product. Loss-of-function variants in VPS13A are known to be pathogenic (PMID: 12404112, 21598378). This variant is present in population databases (rs770350986, gnomAD 0.0009%). This premature translational stop signal has been observed in individual(s) with choreoacanthocytosis (PMID: 21598378, 33652783). For these reasons, this variant has been classified as Pathogenic.

Myriad Genetics, Inc.
Classification: Pathogenic for VPS13A-related neurodegenerative disease. Last evaluated: 2024-05-14. Review status: criteria provided, single submitter. Criteria: Myriad Autosomal Dominant, Autosomal Recessive and X-Linked Classification Criteria (2023). Collection method: clinical testing. Allele origin: unknown.
Comment: NM_033305.2(VPS13A):c.1114_1115delAA(K372Vfs*4) is expected to be pathogenic in the context of VPS13A disease. This variant is predicted to lead to an abnormal or absent protein product due to the creation of a premature termination codon in VPS13A, a gene where loss-of-function variants are known to be pathogenic. Please note: this variant was assessed in the context of healthy population screening.

Literature cited by the submitters: PubMed 12404112 (cited by Labcorp Genetics (formerly Invitae), Labcorp); PubMed 21598378 (cited by Labcorp Genetics (formerly Invitae), Labcorp); PubMed 33652783 (cited by Labcorp Genetics (formerly Invitae), Labcorp).

NM_033305.3(VPS13A):c.1114_1115del (p.Lys372fs)

Gene: VPS13A (vacuolar protein sorting 13 homolog A; plus strand). Cytogenetic location: 9q21.2.
Variant type: Deletion.
Coding change: c.1114_1115del on transcript NM_033305.3 (MANE Select); coding-DNA positions 1114 to 1115, 2 bases deleted (AA; older notation c.1114_1115delAA).
Protein change: p.Lys372fs; shifts the reading frame from lysine 372.
Molecular consequence: frameshift variant.
Genome position (GRCh38, 1-based): chr9:77,221,309-77,221,310, AA deleted; deleting any 2 consecutive bases within chr9:77,221,303-77,221,310 gives the same sequence; the c. name uses the placement nearest the transcript's 3' end. VCF-style (leftmost placement, unchanged base first): chr9-77221302-TAA-T. GRCh37 (hg19) VCF-style: chr9-79836218-TAA-T.
Other names: c.1114_1115del, p.Lys372fs (NM_001018037.2, NM_001018038.3, NM_015186.4); short protein forms K372fs.
Identifiers: ClinVar variation 4709675 (VCV004709675.3).